The following is an entry in ClinVar:

ClinVar aggregate classification (germline): Uncertain significance (1 of 4 stars; one submission).

Submission:

GeneDx
Classification: Uncertain significance. Last evaluated: 2026-03-27. Review status: criteria provided, single submitter. Criteria: GeneDx Variant Classification Process June 2021. Collection method: clinical testing. Allele origin: germline.
Comment: Not observed at significant frequency in large population cohorts (gnomAD); In silico analysis suggests that this variant does not alter splicing; Has not been previously published as pathogenic or benign to our knowledge

NM_000702.4(ATP1A2):c.264C>T (p.Val88=)

Gene: ATP1A2 (ATPase Na+/K+ transporting subunit alpha 2; plus strand). Cytogenetic location: 1q23.2.
Variant type: single nucleotide variant.
Coding change: c.264C>T on transcript NM_000702.4 (MANE Select); coding-DNA position 264, C replaced by T.
Protein change: p.Val88=; no amino-acid change (valine 88 retained).
Molecular consequence: synonymous variant.
Genome position (GRCh38, 1-based): chr1:160,123,299, C>T. VCF-style: chr1-160123299-C-T. GRCh37 (hg19) VCF-style: chr1-160093089-C-T.
Identifiers: ClinVar variation 5017141 (VCV005017141.1).
Genomic context (GRCh38, chr1:160,123,299, plus strand): 5'-CGTTCTGGCTCGAGATGGGCCCAACGCCCTCACACCACCTCCCACAACCCCTGAGTGGGT[C>T]AAGTTCTGCCGTCAGCTTTTCGGGGGGTTCTCCATCCTGCTGTGGATTGGGGCTATCCTC-3'
Protein context (NP_000693.1, residues 78-98): LTPPPTTPEW[Val88=]KFCRQLFGGF